The following is an entry in ClinVar:

NM_001377540.1(SLMAP):c.1559G>A (p.Arg520Gln)

Gene: SLMAP (sarcolemma associated protein; plus strand). Cytogenetic location: 3p14.3.
Variant type: single nucleotide variant.
Coding change: c.1559G>A on transcript NM_001377540.1 (MANE Select); coding-DNA position 1559, G replaced by A.
Protein change: p.Arg520Gln; replaces arginine 520 with glutamine.
Molecular consequence: missense variant. On other transcripts: intron variant (12).
Genome position (GRCh38, 1-based): chr3:57,907,941, G>A. VCF-style: chr3-57907941-G-A. GRCh37 (hg19) VCF-style: chr3-57893668-G-A.
Other names: c.1508G>A, p.Arg503Gln (NM_001304420.3, NM_001377541.1, NM_001377542.1); c.1394G>A, p.Arg465Gln (NM_001304421.2, NM_001377557.1, NM_001377559.1); c.110G>A, p.Arg37Gln (NM_001304422.3, NM_001311178.2); c.1559G>A, p.Arg520Gln (NM_001377538.1, NM_001377539.1); c.1496G>A, p.Arg499Gln (NM_001377545.1); c.1457G>A, p.Arg486Gln (NM_001377549.1, NM_007159.5); c.1445G>A, p.Arg482Gln (NM_001377551.1, NM_001377552.1); c.1502-1135G>A (NM_001377555.1); and 7 more; short protein forms R486Q, R503Q, R37Q, R482Q, R499Q, R465Q, R520Q.
Identifiers: ClinVar variation 1470702 (VCV001470702.8), dbSNP rs765688735, ClinGen allele CA2467180.
Genomic context (GRCh38, chr3:57,907,941, plus strand): 5'-CAGATGACTTGCAGGGTGCACAGTCAGAAATTGAGGCAAAGCAAGAAATACAGCATCTTC[G>A]AAAGGAATTGATCGAAGCCCAGGAGCTAGCTAGAACAAGTAAACAAAAATGCTTTGAACT-3'
Protein context (NP_001364469.1, residues 510-530): IEAKQEIQHL[Arg520Gln]KELIEAQELA

ClinVar aggregate classification (germline): Uncertain significance (1 of 4 stars; one submission).

Conditions:
Brugada syndrome. Also called: Sudden unexpected nocturnal death syndrome; Sudden Unexplained Death Syndrome; Sudden Unexplained Nocturnal Death Syndrome (SUNDS); Sudden unexplained nocturnal death syndrome. Identifiers: Orphanet 130, MedGen C1142166, MONDO:0015263.

Allele frequency attached by ClinVar (database versions not stated): ExAC 0.00002; gnomAD exomes 0.00001; TOPMed 0.00001.

Submission:

Labcorp Genetics (formerly Invitae), Labcorp
Classification: Uncertain significance for Brugada syndrome. Last evaluated: 2025-12-15. Review status: criteria provided, single submitter. Criteria: Invitae Variant Classification Sherloc (09022015). Collection method: clinical testing. Allele origin: germline.
Comment: This sequence change replaces arginine, which is basic and polar, with glutamine, which is neutral and polar, at codon 486 of the SLMAP protein (p.Arg486Gln). This variant is present in population databases (rs765688735, gnomAD 0.01%). This variant has not been reported in the literature in individuals affected with SLMAP-related conditions. ClinVar contains an entry for this variant (Variation ID: 1470702). An algorithm developed to predict the effect of missense changes on protein structure and function (PolyPhen-2) suggests that this variant is likely to be tolerated. In summary, the available evidence is currently insufficient to determine the role of this variant in disease. Therefore, it has been classified as a Variant of Uncertain Significance.